The following is an entry in ClinVar:

ClinVar aggregate classification (germline): Uncertain significance (1 of 4 stars; one submission).

Conditions:
Noonan syndrome 9 (NS9). Identifiers: Orphanet 648, MedGen C4225282, MONDO:0014691, OMIM 616559.

Submission:

Labcorp Genetics (formerly Invitae), Labcorp
Classification: Uncertain significance for Noonan syndrome 9. Last evaluated: 2024-04-06. Review status: criteria provided, single submitter. Criteria: Invitae Variant Classification Sherloc (09022015). Collection method: clinical testing. Allele origin: germline.
Comment: This sequence change replaces arginine, which is basic and polar, with lysine, which is basic and polar, at codon 100 of the SOS2 protein (p.Arg100Lys). This variant is present in population databases (no rsID available, gnomAD 0.0009%). This variant has not been reported in the literature in individuals affected with SOS2-related conditions. Advanced modeling of protein sequence and biophysical properties (such as structural, functional, and spatial information, amino acid conservation, physicochemical variation, residue mobility, and thermodynamic stability) performed at Invitae indicates that this missense variant is not expected to disrupt SOS2 protein function with a negative predictive value of 80%. In summary, the available evidence is currently insufficient to determine the role of this variant in disease. Therefore, it has been classified as a Variant of Uncertain Significance.

NM_006939.4(SOS2):c.299G>A (p.Arg100Lys)

Gene: SOS2 (SOS Ras/Rho guanine nucleotide exchange factor 2; minus strand). Cytogenetic location: 14q21.3.
Variant type: single nucleotide variant.
Coding change: c.299G>A on transcript NM_006939.4 (MANE Select); coding-DNA position 299, G replaced by A.
Protein change: p.Arg100Lys; replaces arginine 100 with lysine.
Molecular consequence: missense variant.
Genome position (GRCh38, 1-based): chr14:50,200,999, C>T on the plus strand (G>A on the coding strand, the complement: SOS2 is on the minus strand). VCF-style: chr14-50200999-C-T. GRCh37 (hg19) VCF-style: chr14-50667717-C-T.
Other names: c.299G>A, p.Arg100Lys (NM_001411020.1); short protein forms R100K.
Identifiers: ClinVar variation 3648968 (VCV003648968.2).